The following is an entry in ClinVar:

ClinVar aggregate classification (germline): Likely benign. Review status: criteria provided, multiple submitters, no conflicts (2 of 4 stars). 3 submissions from 3 submitters: Likely benign (3). Last evaluated 2025-12-09.

Conditions:
Hereditary breast ovarian cancer syndrome. Also called: Breast and ovarian cancer; Hereditary breast and ovarian cancer; Hereditary breast and ovarian cancer syndrome; Hereditary breast and/or ovarian cancer syndrome; BRCA1- and BRCA2-Associated Hereditary Breast and Ovarian Cancer; Hereditary breast and ovarian cancer syndrome (HBOC). Identifiers: Orphanet 145, MedGen C0677776, MeSH D061325, MONDO:0003582. Disease mechanism: loss of function.
Hereditary cancer-predisposing syndrome. Also called: Tumor predisposition; Hereditary Cancer Syndrome; Neoplastic Syndromes, Hereditary; Hereditary neoplastic syndrome. Identifiers: Orphanet 140162, MedGen C0027672, MeSH D009386, MONDO:0015356.

Allele frequency attached by ClinVar (database versions not stated): gnomAD exomes below 0.00001; ExAC 0.00001.
gnomAD v4.1: 4 of 1,560,988 alleles (0.00026%); highest among the groups gnomAD compares: Non-Finnish European, 0.00035%; no homozygotes.

Submissions (4):

Women's Health and Genetics/Laboratory Corporation of America, LabCorp
Classification: Likely benign. Last evaluated: 2025-12-09. Review status: criteria provided, single submitter. Criteria: LabCorp Variant Classification Summary - May 2015. Collection method: clinical testing. Allele origin: germline.
Comment: Variant summary: BRCA1 c.135-11A>G alters a non-conserved nucleotide located close to a canonical splice site and therefore could affect mRNA splicing, leading to a significantly altered protein sequence. 4/4 computational tools predict no significant impact on normal splicing. However, these predictions have yet to be confirmed by functional studies. The variant allele was found at a frequency of 4.1e-06 in 246264 control chromosomes. The available data on variant occurrences in the general population are insufficient to allow any conclusion about variant significance. To our knowledge, no occurrence of c.135-11A>G in individuals affected with Hereditary Breast And Ovarian Cancer Syndrome has been reported. At least one publication reports experimental evidence evaluating an impact on protein function (Findlay_2018). These results showed no damaging effect of this variant in a high throughput HDR (homology directed repair) assay that measures cellular fitness in a haploid human cell line whose survival is dependent on intact BRCA1 function. The following publication has been ascertained in the context of this evaluation (PMID: 30209399). ClinVar contains an entry for this variant (Variation ID: 215869). Based on the evidence outlined above, the variant was classified as likely benign.

Labcorp Genetics (formerly Invitae), Labcorp
Classification: Likely benign for Hereditary breast ovarian cancer syndrome. Last evaluated: 2025-07-02. Review status: criteria provided, single submitter. Criteria: Invitae Variant Classification Sherloc (09022015). Collection method: clinical testing. Allele origin: germline.

Color Diagnostics, LLC DBA Color Health
Classification: Likely benign for Hereditary cancer-predisposing syndrome. Last evaluated: 2025-05-27. Review status: criteria provided, single submitter. Criteria: ACMG Guidelines, 2015. Collection method: clinical testing. Allele origin: germline.

Brotman Baty Institute, University of Washington
No classification provided (evidence only). Condition: Breast-ovarian cancer, familial 1. Review status: no classification provided. Collection method: in vitro. Allele origin: not applicable. Functional consequence: functionally_normal. Not counted in ClinVar's aggregate classification.
ClinVar note: "not provided" was previously submitted as the classification for the variant. However, the classification appeared to be based only on an observation of functional data so it was converted to no classification on 2025-07-30.

Literature cited by the submitters: PubMed 30209399 (cited by Women's Health and Genetics/Laboratory Corporation of America, LabCorp).

NM_007294.4(BRCA1):c.135-11A>G

Gene: BRCA1 (BRCA1 DNA repair associated; minus strand). Cytogenetic location: 17q21.31.
Variant type: single nucleotide variant.
Coding change: c.135-11A>G on transcript NM_007294.4 (MANE Select); 11 bases into the intron before coding-DNA position 135, A replaced by G.
Molecular consequence: intron variant.
Genome position (GRCh38, 1-based): chr17:43,106,544, T>C on the plus strand (A>G on the coding strand, the complement: BRCA1 is on the minus strand). VCF-style: chr17-43106544-T-C. GRCh37 (hg19) VCF-style: chr17-41258561-T-C.
Other names: c.-54-11A>G (NM_001408484.1, NM_001408478.1, NM_001407907.1 and 58 more transcripts); c.135-11A>G (NM_001408450.1, NM_001408434.1, NM_001407672.1 and 167 more transcripts); c.-7-11A>G (NM_001408462.1, NM_001407724.1, NM_001407697.1 and 99 more transcripts); c.135-1588A>G (NM_001408414.1, NM_001408411.1, NM_001407655.1 and 21 more transcripts); c.-218-11684A>G (NM_001407967.1, NM_001407966.1); c.-169-1588A>G (NM_001407959.1, NM_001407962.1, NM_001408512.1 and 4 more transcripts); c.81-1588A>G (NM_001408451.1).
Identifiers: ClinVar variation 215869 (VCV000215869.20), dbSNP rs769549104, ClinGen allele CA053065.
Genomic context (GRCh38, chr17:43,106,544, plus strand): 5'-GACACTGTGAAGGCCCTTTCTTCTGGTTGAGAAGTTTCAGCATGCAAAATCTATAAATTA[T>C]AAAGAAAGAAAGAACAATTTAATTTACTTCCTTTTGTAGAAAGAATACTCAAAAGGCAAA-3'